The following is an entry in ClinVar:

ClinVar aggregate classification (germline): Uncertain significance. Review status: criteria provided, multiple submitters, no conflicts (2 of 4 stars). 2 submissions from 2 submitters: Uncertain significance (2). Last evaluated 2023-11-12.

Conditions:
Autoimmune interstitial lung disease-arthritis syndrome. Also called: Autoinflammation and autoimmunity, systemic, with immune dysregulation. Identifiers: Orphanet 444092, MedGen C5975714, MONDO:0014629.

gnomAD v4.1: 23 of 1,614,046 alleles (0.0014%); highest among the groups gnomAD compares: East Asian, 0.016%; no homozygotes.

Submissions (2):

Labcorp Genetics (formerly Invitae), Labcorp
Classification: Uncertain significance for Autoimmune interstitial lung disease-arthritis syndrome. Last evaluated: 2023-11-12. Review status: criteria provided, single submitter. Criteria: Invitae Variant Classification Sherloc (09022015). Collection method: clinical testing. Allele origin: germline.
Comment: This sequence change replaces valine, which is neutral and non-polar, with methionine, which is neutral and non-polar, at codon 1066 of the COPA protein (p.Val1066Met). This variant is present in population databases (rs767991810, gnomAD 0.01%). This variant has not been reported in the literature in individuals affected with COPA-related conditions. Advanced modeling of protein sequence and biophysical properties (such as structural, functional, and spatial information, amino acid conservation, physicochemical variation, residue mobility, and thermodynamic stability) performed at Invitae indicates that this missense variant is not expected to disrupt COPA protein function with a negative predictive value of 80%. In summary, the available evidence is currently insufficient to determine the role of this variant in disease. Therefore, it has been classified as a Variant of Uncertain Significance.

Department of Pathology and Laboratory Medicine, Sinai Health System
Classification: Uncertain significance for autoimmune interstitial lung disease-arthritis syndrome. Last evaluated: 2022-05-05. Review status: criteria provided, single submitter. Criteria: ACMG Guidelines, 2015. Collection method: research. Allele origin: germline.

NM_004371.4(COPA):c.3196G>A (p.Val1066Met)

Gene: COPA (coat protein complex I subunit alpha; minus strand). Cytogenetic location: 1q23.2.
Variant type: single nucleotide variant.
Coding change: c.3196G>A on transcript NM_004371.4 (MANE Select); coding-DNA position 3196, G replaced by A.
Protein change: p.Val1066Met; replaces valine 1066 with methionine.
Molecular consequence: missense variant.
Genome position (GRCh38, 1-based): chr1:160,291,881, C>T on the plus strand (G>A on the coding strand, the complement: COPA is on the minus strand). VCF-style: chr1-160291881-C-T. GRCh37 (hg19) VCF-style: chr1-160261671-C-T.
Other names: c.3223G>A, p.Val1075Met (NM_001098398.2); short protein forms V1075M, V1066M.
Identifiers: ClinVar variation 2888839 (VCV002888839.4), dbSNP rs767991810, ClinGen allele CA1197671.